The following is an entry in ClinVar:

ClinVar aggregate classification (germline): Benign/Likely benign. Review status: criteria provided, multiple submitters, no conflicts (2 of 4 stars). 2 submissions from 2 submitters: Benign (1); Likely benign (1). Last evaluated 2024-06-06.

Conditions:
Ataxia-telangiectasia syndrome (AT). Also called: LOUIS-BAR SYNDROME; Cerebello-oculocutaneous telangiectasia; Immunodeficiency with ataxia telangiectasia; Ataxia telangiectasia (A-T); Ataxia-telangiectasia, complementation group D; AT, COMPLEMENTATION GROUP C. Identifiers: Orphanet 100, MedGen C0004135, MONDO:0008840, OMIM 208900.
Familial cancer of breast. Also called: BREAST CANCER, FAMILIAL; Hereditary breast cancer; hereditary breast carcinoma. Identifiers: Orphanet 227535, MedGen C0346153, MONDO:0016419, OMIM 114480. Disease mechanism: loss of function.

gnomAD v4.1: 1 of 1,581,874 alleles (0.000063%); no homozygotes.

Submissions (2):

Myriad Genetics, Inc.
Classification: Benign for Familial cancer of breast. Last evaluated: 2024-06-06. Review status: criteria provided, single submitter. Criteria: Myriad Autosomal Dominant, Autosomal Recessive and X-Linked Classification Criteria (2023). Collection method: clinical testing. Allele origin: unknown.
Comment: This variant is considered benign. This variant is a silent/synonymous amino acid change and it is not expected to impact splicing.

Labcorp Genetics (formerly Invitae), Labcorp
Classification: Likely benign for Ataxia-telangiectasia syndrome. Last evaluated: 2023-01-16. Review status: criteria provided, single submitter. Criteria: Invitae Variant Classification Sherloc (09022015). Collection method: clinical testing. Allele origin: germline.

NM_000051.4(ATM):c.6450C>G (p.Ala2150=)

Genes: ATM (ATM serine/threonine kinase; plus strand), C11orf65 (chromosome 11 open reading frame 65; minus strand). Cytogenetic location: 11q22.3.
Variant type: single nucleotide variant.
Coding change: c.6450C>G on transcript NM_000051.4 (MANE Select); coding-DNA position 6450, C replaced by G.
Protein change: p.Ala2150=; no amino-acid change (alanine 2150 retained).
Molecular consequence: synonymous variant. On other transcripts: intron variant (2).
Genome position (GRCh38, 1-based): chr11:108,320,056, C>G. VCF-style: chr11-108320056-C-G. GRCh37 (hg19) VCF-style: chr11-108190783-C-G.
Other names: c.6450C>G, p.Ala2150= (NM_001351834.2); c.641-10985G>C (NM_001330368.2); c.*39-10985G>C (NM_001351110.2).
Identifiers: ClinVar variation 2829163 (VCV002829163.4), dbSNP rs2136222693, ClinGen allele CA476676111.